The following is an entry in ClinVar:

NM_001035.3(RYR2):c.1178T>G (p.Met393Arg)

Gene: RYR2 (ryanodine receptor 2; plus strand). Cytogenetic location: 1q43.
Variant type: single nucleotide variant.
Coding change: c.1178T>G on transcript NM_001035.3 (MANE Select); coding-DNA position 1178, T replaced by G.
Protein change: p.Met393Arg; replaces methionine 393 with arginine.
Molecular consequence: missense variant.
Genome position (GRCh38, 1-based): chr1:237,445,408, T>G. VCF-style: chr1-237445408-T-G. GRCh37 (hg19) VCF-style: chr1-237608708-T-G.
Other names: p.M393R:ATG>AGG; c.1178T>G, p.Met393Arg (LRG_402t1); short protein forms M393R.
Identifiers: ClinVar variation 201372 (VCV000201372.2), dbSNP rs794728815, ClinGen allele CA007154.

ClinVar aggregate classification (germline): Uncertain significance (1 of 4 stars; one submission).

Submission:

GeneDx
Classification: Uncertain significance. Last evaluated: 2014-09-03. Review status: criteria provided, single submitter. Criteria: GeneDx Variant Classification (06012015). Collection method: clinical testing. Allele origin: germline. Affected: yes.
Comment: p.Met393Arg (ATG>AGG): c.1178 T>G in exon 14 of the RYR2 gene (NM_001035.2). A variant of unknown significance has been identified in the RYR2 gene. The M393R variant has not been published as a mutation, nor has it been reported as a benign polymorphism to our knowledge. The M393R variant was not observed in approximately 6,000 individuals of European and African American ancestry in the NHLBI Exome Sequencing Project, indicating it is not a common benign variant in these populations. The M393R variant is a non-conservative amino acid substitution, which is likely to impact secondary protein structure as these residues differ in polarity, charge, size and/or other properties. This substitution occurs at a position that is conserved within mammals. In silico analysis is inconsistent in its predictions as to whether or not the variant is damaging to the protein structure/function. A missense mutation in a nearby residue (D400H) has been reported as possibly associated with LQTS. The patient harboring the D400H variant had a nonspecific sudden unexplained death (with no previously established sudden death?predisposing cardiac condition) and a positive family history of sudden cardiac death; however, no segregation studies were performed (Tester et. al., 2012). Therefore, based on the currently available information, it is unclear whether this variant is a pathogenic mutation or a rare benign variant. The variant is found in ARRHYTHMIA panel(s).